The following is an entry in ClinVar:

NM_000057.4(BLM):c.799+4A>C

Gene: BLM (BLM RecQ like helicase; plus strand). Cytogenetic location: 15q26.1.
Variant type: single nucleotide variant.
Coding change: c.799+4A>C on transcript NM_000057.4 (MANE Select); 4 bases into the intron after coding-DNA position 799, A replaced by C.
Molecular consequence: intron variant.
Genome position (GRCh38, 1-based): chr15:90,750,071, A>C. VCF-style: chr15-90750071-A-C. GRCh37 (hg19) VCF-style: chr15-91293301-A-C.
Other names: c.799+4A>C (NM_001287246.2, NM_001287247.2); c.-493+4A>C (NM_001287248.2).
Identifiers: ClinVar variation 962680 (VCV000962680.8), dbSNP rs1895641639, ClinGen allele CA1139664156.

ClinVar aggregate classification (germline): Uncertain significance (1 of 4 stars; one submission).

Conditions:
Bloom syndrome (BLM). Also called: Bloom-Torre-Machacek syndrome. Identifiers: Orphanet 125, MedGen C0005859, MONDO:0008876, OMIM 210900.

Submission:

Labcorp Genetics (formerly Invitae), Labcorp
Classification: Uncertain significance for Bloom syndrome. Last evaluated: 2019-11-11. Review status: criteria provided, single submitter. Criteria: Invitae Variant Classification Sherloc (09022015). Collection method: clinical testing. Allele origin: germline.
Comment: In summary, the available evidence is currently insufficient to determine the role of this variant in disease. Therefore, it has been classified as a Variant of Uncertain Significance. Nucleotide substitutions within the consensus splice site are a relatively common cause of aberrant splicing (PMID: 17576681, 9536098). Algorithms developed to predict the effect of sequence changes on RNA splicing suggest that this variant may disrupt the consensus splice site, but this prediction has not been confirmed by published transcriptional studies. This variant has not been reported in the literature in individuals with BLM-related conditions. This variant is not present in population databases (ExAC no frequency). This sequence change falls in intron 3 of the BLM gene. It does not directly change the encoded amino acid sequence of the BLM protein, but it affects a nucleotide within the consensus splice site of the intron.

Literature cited by the submitters: PubMed 17576681; PubMed 9536098.